The following is an entry in ClinVar:

ClinVar aggregate classification (germline): Uncertain significance (1 of 4 stars; one submission).

gnomAD v4.1: 1 of 1,613,238 alleles (0.000062%); highest among the groups gnomAD compares: East Asian, 0.0022%; no homozygotes.

Submission:

Women's Health and Genetics/Laboratory Corporation of America, LabCorp
Classification: Uncertain significance. Last evaluated: 2021-03-24. Review status: criteria provided, single submitter. Criteria: LabCorp Variant Classification Summary - May 2015. Collection method: clinical testing. Allele origin: germline.
Comment: Variant summary: HIVEP2 c.3343C>T (p.Leu1115Phe) results in a non-conservative amino acid change in the encoded protein sequence. Three of five in-silico tools predict a damaging effect of the variant on protein function. The variant was absent in 247964 control chromosomes (gnomAD). The available data on variant occurrences in the general population are insufficient to allow any conclusion about variant significance. To our knowledge, no occurrence of c.3343C>T in individuals affected with Intellectual Disability, Autosomal Dominant 43 and no experimental evidence demonstrating its impact on protein function have been reported. No clinical diagnostic laboratories have submitted clinical-significance assessments for this variant to ClinVar after 2014. Based on the evidence outlined above, the variant was classified as uncertain significance.

NM_006734.4(HIVEP2):c.3343C>T (p.Leu1115Phe)

Gene: HIVEP2 (HIVEP zinc finger 2; minus strand). Cytogenetic location: 6q24.2.
Variant type: single nucleotide variant.
Coding change: c.3343C>T on transcript NM_006734.4 (MANE Select); coding-DNA position 3343, C replaced by T.
Protein change: p.Leu1115Phe; replaces leucine 1115 with phenylalanine.
Molecular consequence: missense variant.
Genome position (GRCh38, 1-based): chr6:142,771,396, G>A on the plus strand (C>T on the coding strand, the complement: HIVEP2 is on the minus strand). VCF-style: chr6-142771396-G-A. GRCh37 (hg19) VCF-style: chr6-143092533-G-A.
Other names: short protein forms L1115F.
Identifiers: ClinVar variation 1050843 (VCV001050843.1), dbSNP rs1179177419, ClinGen allele CA365904388.
Genomic context (GRCh38, chr6:142,771,396, plus strand): 5'-GGTCCTCTTGCTGAAGAGGAGGCAGCACAGCAGGCGGGCCATGGTGCCACCCGGACCGGA[G>A]GCCAGCATGCAGGTGCTCCAGCTGCTCTTGCTTCACGCTCTGATCCATGCCAACCTCGCC-3'
Protein context (NP_006725.3, residues 1105-1125): QEQLEHLHAG[Leu1115Phe]RSGWHHGPPA